The following is an entry in ClinVar:

ClinVar aggregate classification (germline): Likely benign. Review status: criteria provided, multiple submitters, no conflicts (2 of 4 stars). 6 submissions from 6 submitters: Likely benign (5). 1 of the submissions does not count toward it. Last evaluated 2025-05-16.

Conditions:
CD164-related disorder. Also called: CD164-related condition.

Allele frequency attached by ClinVar (database versions not stated): 1000 Genomes Project 30x 0.00078; gnomAD 0.00094 and 0.00096; TOPMed 0.00040; ESP Exome Variant Server 0.00069; 1000 Genomes Project 0.00100; gnomAD exomes 0.00101 and 0.00122; ExAC 0.00151.
gnomAD v4.1: 1,612 of 1,612,806 alleles (0.1%); highest among the groups gnomAD compares: Non-Finnish European, 0.096%; 3 homozygotes.

Submissions (6):

Labcorp Genetics (formerly Invitae), Labcorp
Classification: Likely benign. Last evaluated: 2025-05-16. Review status: criteria provided, single submitter. Criteria: Invitae Variant Classification Sherloc (09022015). Collection method: clinical testing. Allele origin: germline.

Blueprint Genetics
Classification: Likely benign. Last evaluated: 2024-11-05. Review status: criteria provided, single submitter. Criteria: ACMG Guidelines, 2015. Collection method: clinical testing. Allele origin: germline.

GeneDx
Classification: Likely benign. Last evaluated: 2018-01-18. Review status: criteria provided, single submitter. Criteria: GeneDx Variant Classification (06012015). Collection method: clinical testing. Allele origin: germline. Affected: yes.
Comment: This variant is considered likely benign or benign based on one or more of the following criteria: it is a conservative change, it occurs at a poorly conserved position in the protein, it is predicted to be benign by multiple in silico algorithms, and/or has population frequency not consistent with disease.

Laboratory for Molecular Medicine, Mass General Brigham Personalized Medicine
Classification: Likely benign. Last evaluated: 2017-08-23. Review status: criteria provided, single submitter. Criteria: LMM Criteria. Collection method: clinical testing. Allele origin: germline. Observed: 1 variant allele.
Comment: p.Arg192Gln in exon 6 of CD164: This variant is not expected to have clinical si gnificance because it has been identified in 0.68% (44/6498) of Finnish chromoso mes by the Exome Aggregation Consortium (ExAC; d bSNP rs62436104).

Breakthrough Genomics
Classification: Likely benign. Review status: criteria provided, single submitter. Criteria: ACMG Guidelines, 2015. Collection method: not provided. Allele origin: germline. Inheritance: Autosomal dominant inheritance. Affected: yes.

PreventionGenetics, part of Exact Sciences
Classification: Benign for CD164-related condition. Last evaluated: 2019-10-28. Review status: no assertion criteria provided. Collection method: clinical testing. Allele origin: germline. Not counted in ClinVar's aggregate classification.
Comment: This variant is classified as benign based on ACMG/AMP sequence variant interpretation guidelines (Richards et al. 2015 PMID: 25741868, with internal and published modifications).

NM_006016.6(CD164):c.575G>A (p.Arg192Gln)

Gene: CD164 (CD164 molecule; minus strand). Cytogenetic location: 6q21.
Variant type: single nucleotide variant.
Coding change: c.575G>A on transcript NM_006016.6 (MANE Select); coding-DNA position 575, G replaced by A.
Protein change: p.Arg192Gln; replaces arginine 192 with glutamine.
Molecular consequence: missense variant. On other transcripts: intron variant (2).
Genome position (GRCh38, 1-based): chr6:109,368,870, C>T on the plus strand (G>A on the coding strand, the complement: CD164 is on the minus strand). VCF-style: chr6-109368870-C-T. GRCh37 (hg19) VCF-style: chr6-109690073-C-T.
Other names: c.575G>A (NM_006016.5); c.536G>A, p.Arg179Gln (NM_001142401.3); c.518G>A, p.Arg173Gln (NM_001142402.3); c.473G>A, p.Arg158Gln (NM_001346500.2); c.428-545G>A (NM_001142404.3); c.523+52G>A (NM_001142403.3); short protein forms R192Q, R158Q, R173Q, R179Q.
Identifiers: ClinVar variation 513071 (VCV000513071.17), dbSNP rs62436104, ClinGen allele CA3951494.